The following is an entry in ClinVar:

ClinVar aggregate classification (germline): Uncertain significance (1 of 4 stars; one submission).

Conditions:
Epidermolysis bullosa simplex with nail dystrophy (EBS5D). Identifiers: MedGen C4225309, MONDO:0014661, OMIM 616487.
Autosomal recessive limb-girdle muscular dystrophy type 2Q (LGMDR17). Also called: MUSCULAR DYSTROPHY, LIMB-GIRDLE, AUTOSOMAL RECESSIVE 17. Identifiers: Orphanet 254361, MedGen C3150989, MONDO:0013390, OMIM 613723.
Epidermolysis bullosa simplex 5B, with muscular dystrophy (EBS5B). Also called: Epidermolysis bullosa simplex with muscular dystrophy; EPIDERMOLYSIS BULLOSA SIMPLEX AND LIMB-GIRDLE MUSCULAR DYSTROPHY. Identifiers: Orphanet 257, MedGen C2931072, MONDO:0009181, OMIM 226670.
Epidermolysis bullosa simplex 5C, with pyloric atresia (EBS5C). Also called: PLEC-Related Epidermolysis Bullosa with Pyloric Atresia; Epidermolysis bullosa simplex with pyloric atresia; PLEC1-Related Epidermolysis Bullosa with Pyloric Atresia. Identifiers: Orphanet 158684, MedGen C2677349, MONDO:0012807, OMIM 612138.
Epidermolysis bullosa simplex, Ogna type (EBS5A). Also called: Pidermolysis bullosa simplex 5A, Ogna type; EPIDERMOLYSIS BULLOSA SIMPLEX 5A, OGNA TYPE. Identifiers: Orphanet 79401, MedGen C0432317, MONDO:0007555, OMIM 131950.

gnomAD v4.1: 15 of 1,612,344 alleles (0.00093%); highest among the groups gnomAD compares: Non-Finnish European, 0.00093%; no homozygotes.

Submission:

Labcorp Genetics (formerly Invitae), Labcorp
Classification: Uncertain significance for Autosomal recessive limb-girdle muscular dystrophy type 2Q; Epidermolysis bullosa simplex, Ogna type; Epidermolysis bullosa simplex with nail dystrophy; Epidermolysis bullosa simplex 5C, with pyloric atresia; Epidermolysis bullosa simplex 5B, with muscular dystrophy. Last evaluated: 2024-02-07. Review status: criteria provided, single submitter. Criteria: Invitae Variant Classification Sherloc (09022015). Collection method: clinical testing. Allele origin: germline.
Comment: This sequence change replaces serine, which is neutral and polar, with asparagine, which is neutral and polar, at codon 179 of the PLEC protein (p.Ser179Asn). This variant is present in population databases (rs781958933, gnomAD 0.003%). This variant has not been reported in the literature in individuals affected with PLEC-related conditions. Experimental studies and prediction algorithms are not available or were not evaluated, and the functional significance of this variant is currently unknown. In summary, the available evidence is currently insufficient to determine the role of this variant in disease. Therefore, it has been classified as a Variant of Uncertain Significance.

NM_201384.3(PLEC):c.455G>A (p.Ser152Asn)

Gene: PLEC (plectin; minus strand). Cytogenetic location: 8q24.3.
Variant type: single nucleotide variant.
Coding change: c.455G>A on transcript NM_201384.3 (MANE Select); coding-DNA position 455, G replaced by A.
Protein change: p.Ser152Asn; replaces serine 152 with asparagine.
Molecular consequence: missense variant.
Genome position (GRCh38, 1-based): chr8:143,935,995, C>T on the plus strand (G>A on the coding strand, the complement: PLEC is on the minus strand). VCF-style: chr8-143935995-C-T. GRCh37 (hg19) VCF-style: chr8-145010163-C-T.
Other names: c.536G>A, p.Ser179Asn (NM_000445.5, NM_001410941.1); c.413G>A, p.Ser138Asn (NM_201378.4); c.389G>A, p.Ser130Asn (NM_201379.3); c.866G>A, p.Ser289Asn (NM_201380.4); c.359G>A, p.Ser120Asn (NM_201381.3); c.455G>A, p.Ser152Asn (NM_201382.4); c.467G>A, p.Ser156Asn (NM_201383.3); short protein forms S120N, S130N, S138N, S152N, S156N, S179N, S289N.
Identifiers: ClinVar variation 3750464 (VCV003750464.2).
Genomic context (GRCh38, chr8:143,935,995, plus strand): 5'-ACCATTCGCTGCGACCACAGCAGCAGCTTCTCCTTGGCCGTCATGTCCTCCGACTGCCCA[C>T]TCACCTGGATATCTGAGATCTGCTCACAGCAGAGAGGAGGCCACAGCTCAGCCACAGCCA-3'
Protein context (NP_958786.1, residues 142-162): LHFQISDIQV[Ser152Asn]GQSEDMTAKE